The following is an entry in ClinVar:

NC_000002.11:g.(?_179565827)_(179567410_?)del

Gene: TTN (titin; minus strand). Cytogenetic location: 2q31.2.
Variant type: Deletion.
Identifiers: ClinVar variation 1428526 (VCV001428526.6).

ClinVar aggregate classification (germline): Uncertain significance (1 of 4 stars; one submission).

Conditions:
Dilated cardiomyopathy 1G (CMD1G). Identifiers: Orphanet 154, MedGen C1858763, MONDO:0011400, OMIM 604145.
Autosomal recessive limb-girdle muscular dystrophy type 2J (LGMDR10). Also called: Limb-girdle muscular dystrophy, type 2J; MUSCULAR DYSTROPHY, LIMB-GIRDLE, AUTOSOMAL RECESSIVE 10. Identifiers: Orphanet 140922, MedGen C1837342, MONDO:0012127, OMIM 608807.

Submission:

Labcorp Genetics (formerly Invitae), Labcorp
Classification: Uncertain significance for Dilated cardiomyopathy 1G; Autosomal recessive limb-girdle muscular dystrophy type 2J. Last evaluated: 2022-04-08. Review status: criteria provided, single submitter. Criteria: Invitae Variant Classification Sherloc (09022015). Collection method: clinical testing. Allele origin: germline.
Comment: This variant is a gross deletion of the genomic region encompassing exon(s) 107-111 of the TTN gene. This variant would be expected to be in-frame, preserving the integrity of the reading frame. This variant has not been reported in the literature in individuals affected with TTN-related conditions. This variant disrupts the I band of TTN (PMID: 25589632). Copy number variants in TTN have been previously reported in individuals affected with neuromuscular disorders (PMID: 29792937, 30238059), but the functional significance of this variant is currently unknown. In summary, the available evidence is currently insufficient to determine the role of this variant in disease. Therefore, it has been classified as a Variant of Uncertain Significance.

Literature cited by the submitters: PubMed 25589632; PubMed 29792937; PubMed 30238059.